The following is an entry in ClinVar:

NM_018089.3(ANKZF1):c.1199A>G (p.Lys400Arg)

Gene: ANKZF1 (ankyrin repeat and zinc finger peptidyl tRNA hydrolase 1; plus strand). Cytogenetic location: 2q35.
Variant type: single nucleotide variant.
Coding change: c.1199A>G on transcript NM_018089.3 (MANE Select); coding-DNA position 1199, A replaced by G.
Protein change: p.Lys400Arg; replaces lysine 400 with arginine.
Molecular consequence: missense variant.
Genome position (GRCh38, 1-based): chr2:219,234,283, A>G. VCF-style: chr2-219234283-A-G. GRCh37 (hg19) VCF-style: chr2-220099005-A-G.
Other names: c.1199A>G, p.Lys400Arg (NM_001042410.2); c.569A>G, p.Lys190Arg (NM_001282792.2); short protein forms K400R, K190R.
Identifiers: ClinVar variation 2807288 (VCV002807288.3), dbSNP rs1951138325, ClinGen allele CA350679351.
Genomic context (GRCh38, chr2:219,234,283, plus strand): 5'-AAATAAGAAAGATCTGCAGGGATGAAAAGGAAGCGCTGGGGCAGAATGAGGAATCTCCCA[A>G]ACAGGGTTTGATTACTATCTGGCAACTGTCAGATCTGAGTTTCTGTCCTAAAAATGCACT-3'
Protein context (NP_060559.2, residues 390-410): EALGQNEESP[Lys400Arg]QGSGSEGEDG

ClinVar aggregate classification (germline): Uncertain significance (1 of 4 stars; one submission).

Submission:

Labcorp Genetics (formerly Invitae), Labcorp
Classification: Uncertain significance. Last evaluated: 2023-10-11. Review status: criteria provided, single submitter. Criteria: Invitae Variant Classification Sherloc (09022015). Collection method: clinical testing. Allele origin: germline.
Comment: This sequence change replaces lysine, which is basic and polar, with arginine, which is basic and polar, at codon 400 of the ANKZF1 protein (p.Lys400Arg). This variant is not present in population databases (gnomAD no frequency). This variant has not been reported in the literature in individuals affected with ANKZF1-related conditions. An algorithm developed to predict the effect of missense changes on protein structure and function (PolyPhen-2) suggests that this variant is likely to be tolerated. In summary, the available evidence is currently insufficient to determine the role of this variant in disease. Therefore, it has been classified as a Variant of Uncertain Significance.